The following is an entry in ClinVar:

NM_001374736.1(DST):c.16536del (p.Glu5513fs)

Gene: DST (dystonin; minus strand). Cytogenetic location: 6p12.1.
Variant type: Deletion.
Coding change: c.16536del on transcript NM_001374736.1 (MANE Select); coding-DNA position 16536, one base deleted (A; older notation c.16536delA).
Protein change: p.Glu5513fs; shifts the reading frame from glutamic acid 5513.
Molecular consequence: frameshift variant.
Genome position (GRCh38, 1-based): chr6:56,552,256, T deleted on the plus strand (A on the coding strand, the reverse complement: DST is on the minus strand); the first of 2 consecutive T bases (chr6:56,552,256-56,552,257); deleting either gives the same sequence. VCF-style (leftmost placement, unchanged base first): chr6-56552255-CT-C. GRCh37 (hg19) VCF-style: chr6-56417053-CT-C.
Other names: c.10179del, p.Glu3394fs (NM_001144769.5); c.9765del, p.Glu3256fs (NM_001144770.2); c.16536del, p.Glu5513fs (NM_001374722.1); c.15903del, p.Glu5302fs (NM_001374729.1); c.9645del, p.Glu3216fs (NM_001374730.1, NM_001386100.1, NM_183380.4); c.16563del, p.Glu5522fs (NM_001374734.1); c.8667del, p.Glu2890fs (NM_015548.5); short protein forms E2890fs, E3216fs, E5513fs, E3394fs, E5522fs, E3256fs, E5302fs.
Identifiers: ClinVar variation 2945729 (VCV002945729.3), dbSNP rs2535324981, ClinGen allele CA2740091373.
Genomic context (GRCh38, chr6:56,552,255, plus strand): 5'-TAAGCTGCTGATTAATTGTCTCCGTTTCCATACCAACAGGACCTTGTGACTCTTCATGTT[CT>C]TCGGCTTTCTGGAGCAGAATAGAAAATTCTTTCAATTTGCTGTAAAATTCTTCAAGGCGC-3'

ClinVar aggregate classification (germline): Pathogenic (1 of 4 stars; one submission).

Conditions:
Hereditary sensory and autonomic neuropathy type 6. Also called: HSAN VI; Neuropathy, hereditary sensory and autonomic, type VI. Identifiers: Orphanet 314381, MedGen C3539003, MONDO:0013839, OMIM 614653.
Epidermolysis bullosa simplex 3, localized or generalized intermediate, with BP230 deficiency (EBS3). Also called: Epidermolysis bullosa simplex due to BP230 deficiency; Epidermolysis bullosa simplex, autosomal recessive 2. Identifiers: Orphanet 412181, MedGen C3809470, MONDO:0014180, OMIM 615425.

Submission:

Labcorp Genetics (formerly Invitae), Labcorp
Classification: Pathogenic for Epidermolysis bullosa simplex 3, localized or generalized intermediate, with BP230 deficiency; Hereditary sensory and autonomic neuropathy type 6. Last evaluated: 2023-03-24. Review status: criteria provided, single submitter. Criteria: Invitae Variant Classification Sherloc (09022015). Collection method: clinical testing. Allele origin: germline.
Comment: This sequence change creates a premature translational stop signal (p.Glu2890Asnfs*41) in the DST gene. It is expected to result in an absent or disrupted protein product. Loss-of-function variants in DST are known to be pathogenic (PMID: 22522446, 25059916, 30371979). The DST gene has multiple clinically relevant transcripts. This variant occurs in alternate transcript NM_015548.4, and corresponds to NM_001723.5:c.*63261del in the primary transcript. This variant is not present in population databases (gnomAD no frequency). This variant has not been reported in the literature in individuals affected with DST-related conditions. For these reasons, this variant has been classified as Pathogenic.

Literature cited by the submitters: PubMed 22522446; PubMed 25059916; PubMed 30371979.